The following is an entry in ClinVar:

NM_004304.5(ALK):c.2455G>A (p.Gly819Arg)

Gene: ALK (ALK receptor tyrosine kinase; minus strand). Cytogenetic location: 2p23.2.
Variant type: single nucleotide variant.
Coding change: c.2455G>A on transcript NM_004304.5 (MANE Select); coding-DNA position 2455, G replaced by A.
Protein change: p.Gly819Arg; replaces glycine 819 with arginine.
Molecular consequence: missense variant.
Genome position (GRCh38, 1-based): chr2:29,233,597, C>T on the plus strand (G>A on the coding strand, the complement: ALK is on the minus strand). VCF-style: chr2-29233597-C-T. GRCh37 (hg19) VCF-style: chr2-29456463-C-T.
Other names: short protein forms G819R.
Identifiers: ClinVar variation 4041038 (VCV004041038.1).
Genomic context (GRCh38, chr2:29,233,597, plus strand): 5'-GGTGGAAATCTGGCAGCACACACCATACCTTAAATACGTAGGTGGCTCCACCCCCTCCTC[C>T]TCCGCCTCCTGCCCACTCATGCACGCTTCTGTTCACACGGATTTCTTCTTCTATCACATT-3'
Protein context (NP_004295.2, residues 809-829): RSVHEWAGGG[Gly819Arg]GGGGATYVFK

ClinVar aggregate classification (germline): Uncertain significance (1 of 4 stars; one submission).

Conditions:
Hereditary cancer-predisposing syndrome. Also called: Neoplastic Syndromes, Hereditary; Tumor predisposition; Hereditary neoplastic syndrome; Hereditary Cancer Syndrome. Identifiers: Orphanet 140162, MedGen C0027672, MeSH D009386, MONDO:0015356.

Submission:

Ambry Genetics
Classification: Uncertain significance for Hereditary cancer-predisposing syndrome. Last evaluated: 2025-05-27. Review status: criteria provided, single submitter. Criteria: Ambry Variant Classification Scheme 2023. Collection method: clinical testing. Allele origin: germline.
Comment: The p.G819R variant (also known as c.2455G>A), located in coding exon 14 of the ALK gene, results from a G to A substitution at nucleotide position 2455. The glycine at codon 819 is replaced by arginine, an amino acid with dissimilar properties. This amino acid position is conserved. In addition, the in silico prediction for this alteration is inconclusive. Based on the available evidence, the clinical significance of this variant remains unclear.